The following is an entry in ClinVar:

ClinVar aggregate classification (germline): Conflicting classifications of pathogenicity. Review status: criteria provided, conflicting classifications (1 of 4 stars). 5 submissions from 5 submitters: Uncertain significance (4); Likely benign (1). Last evaluated 2025-11-17.

Conditions:
Hereditary cancer-predisposing syndrome. Also called: Neoplastic Syndromes, Hereditary; Hereditary Cancer Syndrome; Tumor predisposition; Hereditary neoplastic syndrome. Identifiers: Orphanet 140162, MedGen C0027672, MeSH D009386, MONDO:0015356.
Familial meningioma. Also called: Meningioma, familial, susceptibility to. Identifiers: Orphanet 263662, MedGen C3551915, MONDO:0011789, OMIM 607174.

Allele frequency attached by ClinVar (database versions not stated): gnomAD exomes below 0.00001.
gnomAD v4.1: 5 of 1,613,100 alleles (0.00031%); highest among the groups gnomAD compares: African/African-American, 0.0053%; no homozygotes.

Submissions (5):

Labcorp Genetics (formerly Invitae), Labcorp
Classification: Uncertain significance for Familial meningioma. Last evaluated: 2025-11-17. Review status: criteria provided, single submitter. Criteria: Invitae Variant Classification Sherloc (09022015). Collection method: clinical testing. Allele origin: germline.
Comment: This sequence change replaces threonine, which is neutral and polar, with proline, which is neutral and non-polar, at codon 345 of the SMARCE1 protein (p.Thr345Pro). This variant is not present in population databases (gnomAD no frequency). This variant has not been reported in the literature in individuals affected with SMARCE1-related conditions. ClinVar contains an entry for this variant (Variation ID: 661588). Invitae Evidence Modeling of protein sequence and biophysical properties (such as structural, functional, and spatial information, amino acid conservation, physicochemical variation, residue mobility, and thermodynamic stability) indicates that this missense variant is not expected to disrupt SMARCE1 protein function with a negative predictive value of 80%. In summary, the available evidence is currently insufficient to determine the role of this variant in disease. Therefore, it has been classified as a Variant of Uncertain Significance.

Baylor Genetics
Classification: Uncertain significance for Familial meningioma. Last evaluated: 2023-12-11. Review status: criteria provided, single submitter. Criteria: ACMG Guidelines, 2015. Collection method: clinical testing. Allele origin: unknown.

CeGaT Center for Human Genetics Tuebingen
Classification: Uncertain significance. Last evaluated: 2023-01-01. Review status: criteria provided, single submitter. Criteria: CeGaT Center For Human Genetics Tuebingen Variant Classification Criteria Version 2. Collection method: clinical testing. Allele origin: germline. Affected: yes. Observed: 1 variant allele.
Comment: SMARCE1: PM2, BP4

Ambry Genetics
Classification: Likely benign for Hereditary cancer-predisposing syndrome. Last evaluated: 2022-04-01. Review status: criteria provided, single submitter. Criteria: Ambry Variant Classification Scheme 2023. Collection method: clinical testing. Allele origin: germline.

GeneDx
Classification: Uncertain significance. Last evaluated: 2021-02-03. Review status: criteria provided, single submitter. Criteria: GeneDx Variant Classification Process June 2021. Collection method: clinical testing. Allele origin: germline. Affected: yes.
Comment: Not observed in large population cohorts (Lek 2016); In silico analysis supports that this missense variant does not alter protein structure/function; Has not been previously published as pathogenic or benign to our knowledge

NM_003079.5(SMARCE1):c.1033A>C (p.Thr345Pro)

Gene: SMARCE1 (SWI/SNF related BAF chromatin remodeling complex subunit E1; minus strand). Cytogenetic location: 17q21.2.
Variant type: single nucleotide variant.
Coding change: c.1033A>C on transcript NM_003079.5 (MANE Select); coding-DNA position 1033, A replaced by C.
Protein change: p.Thr345Pro; replaces threonine 345 with proline.
Molecular consequence: missense variant.
Genome position (GRCh38, 1-based): chr17:40,628,988, T>G on the plus strand (A>C on the coding strand, the complement: SMARCE1 is on the minus strand). VCF-style: chr17-40628988-T-G. GRCh37 (hg19) VCF-style: chr17-38785240-T-G.
Other names: short protein forms T345P.
Identifiers: ClinVar variation 661588 (VCV000661588.40), dbSNP rs1597741316, ClinGen allele CA399361857.